The following is an entry in ClinVar:

ClinVar aggregate classification (germline): Pathogenic (1 of 4 stars; one submission).

Conditions:
Agammaglobulinemia 3, autosomal recessive (AGM3). Also called: AGAMMAGLOBULINEMIA 3; AGAMMAGLOBULINEMIA, AUTOSOMAL RECESSIVE, DUE TO CD79A DEFECT. Identifiers: MedGen C3150751, MONDO:0013288, OMIM 613501.

Submission:

Labcorp Genetics (formerly Invitae), Labcorp
Classification: Pathogenic for Agammaglobulinemia 3, autosomal recessive. Last evaluated: 2025-07-08. Review status: criteria provided, single submitter. Criteria: Invitae Variant Classification Sherloc (09022015). Collection method: clinical testing. Allele origin: germline.
Comment: This sequence change creates a premature translational stop signal (p.Cys155*) in the CD79A gene. It is expected to result in an absent or disrupted protein product. Loss-of-function variants in CD79A are known to be pathogenic (PMID: 10525050, 24481606). This variant is not present in population databases (gnomAD no frequency). This variant has not been reported in the literature in individuals affected with CD79A-related conditions. For these reasons, this variant has been classified as Pathogenic.

Literature cited by the submitters: PubMed 10525050; PubMed 24481606.

NM_001783.4(CD79A):c.465C>A (p.Cys155Ter)

Genes: CD79A (CD79a molecule; plus strand), RPS19-CD79A (RPS19-CD79A readthrough; plus strand). Cytogenetic location: 19q13.2.
Variant type: single nucleotide variant.
Coding change: c.465C>A on transcript NM_001783.4 (MANE Select); coding-DNA position 465, C replaced by A.
Protein change: p.Cys155Ter; replaces cysteine 155 with a stop codon.
Molecular consequence: nonsense.
Genome position (GRCh38, 1-based): chr19:41,879,620, C>A. VCF-style: chr19-41879620-C-A. GRCh37 (hg19) VCF-style: chr19-42383690-C-A.
Other names: c.351C>A, p.Cys117Ter (NM_021601.4); short protein forms C117*, C155*.
Identifiers: ClinVar variation 4702574 (VCV004702574.1).